The following is an entry in ClinVar:

ClinVar aggregate classification (germline): Uncertain significance (1 of 4 stars; one submission).

Conditions:
Combined immunodeficiency due to STK4 deficiency (IMD110). Also called: STK4 DEFICIENCY; MST1 DEFICIENCY; T-cell immunodeficiency, recurrent infections, and autoimmunity with or without cardiac malformations. Identifiers: Orphanet 314689, MedGen C3553943, MONDO:0013934, OMIM 614868.

gnomAD v4.1: 2 of 1,612,388 alleles (0.00012%); highest among the groups gnomAD compares: African/African-American, 0.0013%; no homozygotes.

Submission:

Labcorp Genetics (formerly Invitae), Labcorp
Classification: Uncertain significance for Combined immunodeficiency due to STK4 deficiency. Last evaluated: 2025-09-14. Review status: criteria provided, single submitter. Criteria: Invitae Variant Classification Sherloc (09022015). Collection method: clinical testing. Allele origin: germline.
Comment: This sequence change replaces glutamic acid, which is acidic and polar, with alanine, which is neutral and non-polar, at codon 373 of the STK4 protein (p.Glu373Ala). This variant is not present in population databases (gnomAD no frequency). This variant has not been reported in the literature in individuals affected with STK4-related conditions. Invitae Evidence Modeling of protein sequence and biophysical properties (such as structural, functional, and spatial information, amino acid conservation, physicochemical variation, residue mobility, and thermodynamic stability) indicates that this missense variant is not expected to disrupt STK4 protein function with a negative predictive value of 95%. In summary, the available evidence is currently insufficient to determine the role of this variant in disease. Therefore, it has been classified as a Variant of Uncertain Significance.

NM_006282.5(STK4):c.1118A>C (p.Glu373Ala)

Gene: STK4 (serine/threonine kinase 4; plus strand). Cytogenetic location: 20q13.12.
Variant type: single nucleotide variant.
Coding change: c.1118A>C on transcript NM_006282.5 (MANE Select); coding-DNA position 1118, A replaced by C.
Protein change: p.Glu373Ala; replaces glutamic acid 373 with alanine.
Molecular consequence: missense variant.
Genome position (GRCh38, 1-based): chr20:45,001,324, A>C. VCF-style: chr20-45001324-A-C. GRCh37 (hg19) VCF-style: chr20-43629965-A-C.
Other names: c.1118A>C, p.Glu373Ala (NM_001352385.2); short protein forms E373A.
Identifiers: ClinVar variation 4700824 (VCV004700824.1).
Genomic context (GRCh38, chr20:45,001,324, plus strand): 5'-CTATGATTGAGCACGATGACACGTTGCCATCACAACTGGGCACCATGGTGATCAATGCAG[A>C]GGATGAGGAAGAGGAAGGAACTATGAAAAGTAAGGCTCTGAGTAAATTCACTGACTTCTT-3'
Protein context (NP_006273.1, residues 363-383): SQLGTMVINA[Glu373Ala]DEEEEGTMKR